The following is an entry in ClinVar:

NM_004655.4(AXIN2):c.1201-2A>G

Gene: AXIN2 (axin 2; minus strand). Cytogenetic location: 17q24.1.
Variant type: single nucleotide variant.
Coding change: c.1201-2A>G on transcript NM_004655.4 (MANE Select); the canonical splice acceptor site of the intron before coding-DNA position 1201, A replaced by G.
Molecular consequence: splice acceptor variant.
Genome position (GRCh38, 1-based): chr17:65,537,837, T>C on the plus strand (A>G on the coding strand, the complement: AXIN2 is on the minus strand). VCF-style: chr17-65537837-T-C. GRCh37 (hg19) VCF-style: chr17-63533955-T-C.
Other names: c.1201-2A>G (NM_001363813.1).
Identifiers: ClinVar variation 464525 (VCV000464525.23), dbSNP rs775783026, ClinGen allele CA8718717.

ClinVar aggregate classification (germline): Conflicting classifications of pathogenicity. Review status: criteria provided, conflicting classifications (1 of 4 stars). 6 submissions from 6 submitters: Likely pathogenic (4); Uncertain significance (2). Last evaluated 2026-08-03.

Conditions:
Oligodontia-cancer predisposition syndrome. Also called: TOOTH AGENESIS-COLORECTAL CANCER SYNDROME. Identifiers: Orphanet 300576, MedGen C1837750, MONDO:0012075, OMIM 608615. Disease mechanism: loss of function.
Colorectal cancer. Also called: Malignant Colorectal Neoplasm; Colorectal cancer, somatic. Identifiers: MedGen C0346629, MONDO:0005575, OMIM 114500.
Hereditary cancer-predisposing syndrome. Also called: Neoplastic Syndromes, Hereditary; Hereditary neoplastic syndrome; Hereditary Cancer Syndrome; Tumor predisposition. Identifiers: Orphanet 140162, MedGen C0027672, MeSH D009386, MONDO:0015356.
AXIN2-related attenuated familial adenomatous polyposis. Identifiers: Orphanet 401911, MedGen C5680012, MONDO:0018426.

Allele frequency attached by ClinVar (database versions not stated): ExAC 0.00003; TOPMed below 0.00001; gnomAD 0.00001; gnomAD exomes 0.00001.
gnomAD v4.1: 11 of 1,547,836 alleles (0.00071%); highest among the groups gnomAD compares: African/African-American, 0.0027%; no homozygotes.

Submissions (6):

Ambry Genetics
Classification: Likely pathogenic for Hereditary cancer-predisposing syndrome. Last evaluated: 2026-08-03. Review status: criteria provided, single submitter. Criteria: Ambry Variant Classification Scheme 2023. Collection method: clinical testing. Allele origin: germline.
Comment: The c.1201-2A>G intronic variant results from an A to G substitution two nucleotides upstream from coding exon 5 in the AXIN2 gene. This variant was reported in individual(s) with features consistent with oligodontia-cancer predisposition syndrome including colorectal adenomatous polyposis (Ambry internal data). This variant was detected as heterozygous in several individuals with no reported features of oligodontia-cancer predisposition syndrome (Ambry internal data). This nucleotide position is highly conserved in available vertebrate species. In silico splice site analysis predicts that this alteration will weaken the native splice acceptor site and may result in the creation or strengthening of a novel splice acceptor site. RNA studies have demonstrated that this variant results in abnormal splicing in the set of samples tested (Ambry internal data). Alterations that disrupt the canonical splice site are expected to cause aberrant splicing, resulting in an abnormal protein or a transcript that is subject to nonsense-mediated mRNA decay. As such, this alteration is classified as likely pathogenic.

Labcorp Genetics (formerly Invitae), Labcorp
Classification: Uncertain significance for Oligodontia-cancer predisposition syndrome. Last evaluated: 2025-09-27. Review status: criteria provided, single submitter. Criteria: Invitae Variant Classification Sherloc (09022015). Collection method: clinical testing. Allele origin: germline.
Comment: This sequence change affects an acceptor splice site in intron 5 of the AXIN2 gene. It is expected to disrupt RNA splicing. Variants that disrupt the donor or acceptor splice site typically lead to a loss of protein function (PMID: 16199547), and loss-of-function variants in AXIN2 are known to be pathogenic (PMID: 15042511, 21416598). The frequency data for this variant in the population databases is considered unreliable, as metrics indicate poor data quality at this position in the gnomAD database. This variant has not been reported in the literature in individuals affected with AXIN2-related conditions. ClinVar contains an entry for this variant (Variation ID: 464525). Studies have shown that disruption of this splice site is associated with altered splicing resulting in multiple RNA products (internal data). In summary, the available evidence is currently insufficient to determine the role of this variant in disease. Therefore, it has been classified as a Variant of Uncertain Significance.

Baylor Genetics
Classification: Likely pathogenic for Colorectal cancer. Last evaluated: 2024-02-17. Review status: criteria provided, single submitter. Criteria: ACMG Guidelines, 2015. Collection method: clinical testing. Allele origin: unknown.

Myriad Genetics, Inc.
Classification: Likely pathogenic for Oligodontia-cancer predisposition syndrome. Last evaluated: 2023-05-17. Review status: criteria provided, single submitter. Criteria: Myriad Autosomal Dominant, Autosomal Recessive and X-Linked Classification Criteria (2023). Collection method: clinical testing. Allele origin: unknown.
Comment: This variant is considered likely pathogenic. This variant occurs within a consensus splice junction and is predicted to result in abnormal mRNA splicing of either an out-of-frame exon or an in-frame exon necessary for protein stability and/or normal function.

GeneDx
Classification: Uncertain significance. Last evaluated: 2022-06-21. Review status: criteria provided, single submitter. Criteria: GeneDx Variant Classification Process June 2021. Collection method: clinical testing. Allele origin: germline. Affected: yes.
Comment: Not observed at significant frequency in large population cohorts (gnomAD); Canonical splice site variant with an unclear effect on protein function and both splice predictors and evolutionary conservation support a deleterious effect, although in the absence of functional evidence the actual effect of this sequence change is unknown.; Observed in an individual with glioblastoma (Huang 2018); This variant is associated with the following publications: (PMID: 29625052)

MGZ Medical Genetics Center
Classification: Likely pathogenic for Oligodontia-cancer predisposition syndrome. Last evaluated: 2022-03-24. Review status: criteria provided, single submitter. Criteria: ACMG Guidelines, 2015. Collection method: clinical testing. Allele origin: germline. Affected: yes. Observed: 1 variant allele.
Comment: ACMG criteria applied: PVS1, PM2_SUP

Literature cited by the submitters: PubMed 29625052 (cited by Ambry Genetics); PubMed 16199547 (cited by Labcorp Genetics (formerly Invitae), Labcorp); PubMed 15042511 (cited by Labcorp Genetics (formerly Invitae), Labcorp); PubMed 21416598 (cited by Labcorp Genetics (formerly Invitae), Labcorp).